The following is an entry in ClinVar:

ClinVar aggregate classification (germline): Pathogenic (1 of 4 stars; one submission).

Allele frequency attached by ClinVar (database versions not stated): gnomAD exomes below 0.00001.
gnomAD v4.1: 1 of 1,606,724 alleles (0.000062%); highest among the groups gnomAD compares: Non-Finnish European, 0.000085%; no homozygotes.

Submission:

Labcorp Genetics (formerly Invitae), Labcorp
Classification: Pathogenic. Last evaluated: 2022-12-05. Review status: criteria provided, single submitter. Criteria: Invitae Variant Classification Sherloc (09022015). Collection method: clinical testing. Allele origin: germline.
Comment: For these reasons, this variant has been classified as Pathogenic. ClinVar contains an entry for this variant (Variation ID: 1456974). This variant has not been reported in the literature in individuals affected with COL27A1-related conditions. This variant is not present in population databases (gnomAD no frequency). This sequence change creates a premature translational stop signal (p.Arg164*) in the COL27A1 gene. It is expected to result in an absent or disrupted protein product. Loss-of-function variants in COL27A1 are known to be pathogenic (PMID: 24986830, 28276056).

Literature cited by the submitters: PubMed 24986830; PubMed 28276056.

NM_032888.4(COL27A1):c.490C>T (p.Arg164Ter)

Gene: COL27A1 (collagen type XXVII alpha 1 chain; plus strand). Cytogenetic location: 9q32.
Variant type: single nucleotide variant.
Coding change: c.490C>T on transcript NM_032888.4 (MANE Select); coding-DNA position 490, C replaced by T.
Protein change: p.Arg164Ter; replaces arginine 164 with a stop codon.
Molecular consequence: nonsense.
Genome position (GRCh38, 1-based): chr9:114,168,045, C>T. VCF-style: chr9-114168045-C-T. GRCh37 (hg19) VCF-style: chr9-116930325-C-T.
Other names: short protein forms R164*.
Identifiers: ClinVar variation 1456974 (VCV001456974.6), dbSNP rs2135073208, ClinGen allele CA374590052.